The following is an entry in ClinVar:

ClinVar aggregate classification (germline): Conflicting classifications of pathogenicity. Review status: criteria provided, conflicting classifications (1 of 4 stars). 2 submissions from 2 submitters: Uncertain significance (1); Likely benign (1). Last evaluated 2023-06-01.

Conditions:
Congenital disorder of glycosylation (CDG). Also called: Carbohydrate-deficient glycoprotein syndrome; Congenital disorders of glycosylation. Identifiers: Orphanet 137, MedGen C0282577, MONDO:0015286.

Allele frequency attached by ClinVar (database versions not stated): gnomAD 0.00003 and 0.00004; ExAC 0.00005; gnomAD exomes 0.00005 and 0.00006; TOPMed 0.00005.
gnomAD v4.1: 86 of 1,612,994 alleles (0.0053%); highest among the groups gnomAD compares: Middle Eastern, 0.082%; no homozygotes.

Submissions (2):

CeGaT Center for Human Genetics Tuebingen
Classification: Likely benign. Last evaluated: 2023-06-01. Review status: criteria provided, single submitter. Criteria: CeGaT Center For Human Genetics Tuebingen Variant Classification Criteria Version 2. Collection method: clinical testing. Allele origin: germline. Affected: yes. Observed: 1 variant allele.
Comment: TUSC3: BP4, BP7

Illumina Laboratory Services, Illumina
Classification: Uncertain significance for Congenital disorder of glycosylation. Last evaluated: 2018-01-12. Review status: criteria provided, single submitter. Criteria: ICSL Variant Classification Criteria 13 December 2019. Collection method: clinical testing. Allele origin: germline.

NM_006765.4(TUSC3):c.852T>C (p.Ile284=)

Gene: TUSC3 (tumor suppressor candidate 3; plus strand). Cytogenetic location: 8p22.
Variant type: single nucleotide variant.
Coding change: c.852T>C on transcript NM_006765.4 (MANE Select); coding-DNA position 852, T replaced by C.
Protein change: p.Ile284=; no amino-acid change (isoleucine 284 retained).
Molecular consequence: synonymous variant.
Genome position (GRCh38, 1-based): chr8:15,730,719, T>C. VCF-style: chr8-15730719-T-C. GRCh37 (hg19) VCF-style: chr8-15588228-T-C.
Other names: c.852T>C, p.Ile284= (NM_001356429.2, NM_178234.2).
Identifiers: ClinVar variation 910176 (VCV000910176.28), dbSNP rs781741877, ClinGen allele CA4640573.